The following is an entry in ClinVar:

NM_004519.4(KCNQ3):c.834T>C (p.Leu278=)

Gene: KCNQ3 (potassium voltage-gated channel subfamily Q member 3; minus strand). Cytogenetic location: 8q24.22.
Variant type: single nucleotide variant.
Coding change: c.834T>C on transcript NM_004519.4 (MANE Select); coding-DNA position 834, T replaced by C.
Protein change: p.Leu278=; no amino-acid change (leucine 278 retained).
Molecular consequence: synonymous variant.
Genome position (GRCh38, 1-based): chr8:132,175,552, A>G on the plus strand (T>C on the coding strand, the complement: KCNQ3 is on the minus strand). VCF-style: chr8-132175552-A-G. GRCh37 (hg19) VCF-style: chr8-133187799-A-G.
Other names: c.474T>C, p.Leu158= (NM_001204824.2).
Identifiers: ClinVar variation 378034 (VCV000378034.25), dbSNP rs769657433, ClinGen allele CA4880830.

ClinVar aggregate classification (germline): Benign/Likely benign. Review status: criteria provided, multiple submitters, no conflicts (2 of 4 stars). 8 submissions from 8 submitters: Benign (2); Likely benign (3). 3 of the submissions do not count toward it. Last evaluated 2026-02-01.

Conditions:
KCNQ3-related disorder. Also called: KCNQ3-related condition; KCNQ3-Related Disorders. Identifiers: MedGen CN381530.
Benign neonatal seizures. Also called: Benign familial neonatal seizures; Benign familial neonatal epilepsy; Convulsions benign familial neonatal dominant form; Autosomal dominant form of benign neonatal seizures; Benign neonatal familial convulsions. Identifiers: Orphanet 1949, MedGen C0220669, MONDO:0016027.
Inborn genetic diseases. Identifiers: MedGen C0950123, MeSH D030342.

Allele frequency attached by ClinVar (database versions not stated): TOPMed 0.00033; ExAC 0.00016; gnomAD exomes 0.00017 and 0.00024; gnomAD 0.00019 and 0.00020.
gnomAD v4.1: 302 of 1,614,068 alleles (0.019%); highest among the groups gnomAD compares: Middle Eastern, 0.13%; no homozygotes.

Submissions (8):

CeGaT Center for Human Genetics Tuebingen
Classification: Likely benign. Last evaluated: 2026-02-01. Review status: criteria provided, single submitter. Criteria: CeGaT Center For Human Genetics Tuebingen Variant Classification Criteria Version 2. Collection method: clinical testing. Allele origin: germline. Affected: yes. Observed: 1 variant allele.
Comment: KCNQ3: BP4, BP7

Labcorp Genetics (formerly Invitae), Labcorp
Classification: Benign for Benign neonatal seizures. Last evaluated: 2026-01-26. Review status: criteria provided, single submitter. Criteria: Invitae Variant Classification Sherloc (09022015). Collection method: clinical testing. Allele origin: germline.

Blueprint Genetics
Classification: Likely benign. Last evaluated: 2024-11-07. Review status: criteria provided, single submitter. Criteria: ACMG Guidelines, 2015. Collection method: clinical testing. Allele origin: germline.

Ambry Genetics
Classification: Likely benign for Inborn genetic diseases. Last evaluated: 2016-10-27. Review status: criteria provided, single submitter. Criteria: Ambry Variant Classification Scheme 2023. Collection method: clinical testing. Allele origin: germline.

GeneDx
Classification: Benign. Last evaluated: 2015-07-09. Review status: criteria provided, single submitter. Criteria: GeneDx Variant Classification (06012015). Collection method: clinical testing. Allele origin: germline. Affected: yes.
Comment: This variant is considered likely benign or benign based on one or more of the following criteria: it is a conservative change, it occurs at a poorly conserved position in the protein, it is predicted to be benign by multiple in silico algorithms, and/or has population frequency not consistent with disease.

PreventionGenetics, part of Exact Sciences
Classification: Likely benign for KCNQ3-related condition. Last evaluated: 2019-05-17. Review status: no assertion criteria provided. Collection method: clinical testing. Allele origin: germline. Not counted in ClinVar's aggregate classification.
Comment: This variant is classified as likely benign based on ACMG/AMP sequence variant interpretation guidelines (Richards et al. 2015 PMID: 25741868, with internal and published modifications).

Clinical Genetics DNA and cytogenetics Diagnostics Lab, Erasmus MC, Erasmus Medical Center
Classification: Likely benign. Review status: no assertion criteria provided. Collection method: clinical testing. Allele origin: germline. Affected: yes. Study: VKGL Data-share Consensus. Not counted in ClinVar's aggregate classification.

Genome Diagnostics Laboratory, University Medical Center Utrecht
Classification: Benign. Review status: no assertion criteria provided. Collection method: clinical testing. Allele origin: germline. Affected: yes. Study: VKGL Data-share Consensus. Not counted in ClinVar's aggregate classification.